The following is an entry in ClinVar:

ClinVar aggregate classification (germline): Uncertain significance (1 of 4 stars; one submission).

Conditions:
Inborn genetic diseases. Identifiers: MedGen C0950123, MeSH D030342.

Submission:

Ambry Genetics
Classification: Uncertain significance for Inborn genetic diseases. Last evaluated: 2023-07-29. Review status: criteria provided, single submitter. Criteria: Ambry Variant Classification Scheme 2023. Collection method: clinical testing. Allele origin: germline.
Comment: The p.S1137R variant (also known as c.3411T>A), located in coding exon 25 of the LRRK2 gene, results from a T to A substitution at nucleotide position 3411. The serine at codon 1137 is replaced by arginine, an amino acid with dissimilar properties. This amino acid position is conserved. In addition, the in silico prediction for this alteration is inconclusive. Since supporting evidence is limited at this time, the clinical significance of this alteration remains unclear.

NM_198578.4(LRRK2):c.3411T>A (p.Ser1137Arg)

Gene: LRRK2 (leucine rich repeat kinase 2; plus strand). Cytogenetic location: 12q12.
Variant type: single nucleotide variant.
Coding change: c.3411T>A on transcript NM_198578.4 (MANE Select); coding-DNA position 3411, T replaced by A.
Protein change: p.Ser1137Arg; replaces serine 1137 with arginine.
Molecular consequence: missense variant.
Genome position (GRCh38, 1-based): chr12:40,299,172, T>A. VCF-style: chr12-40299172-T-A. GRCh37 (hg19) VCF-style: chr12-40692974-T-A.
Other names: short protein forms S1137R.
Identifiers: ClinVar variation 2587276 (VCV002587276.2), dbSNP rs2499756765, ClinGen allele CA384415694.